The following is an entry in ClinVar:

ClinVar aggregate classification (germline): Conflicting classifications of pathogenicity. Review status: criteria provided, conflicting classifications (1 of 4 stars). 7 submissions from 7 submitters: Uncertain significance (5); Likely benign (1). 1 of the submissions does not count toward it. Last evaluated 2024-07-27.

Conditions:
Hereditary nonpolyposis colorectal neoplasms. Identifiers: MedGen C0009405, MeSH D003123.
Hereditary cancer-predisposing syndrome. Also called: Neoplastic Syndromes, Hereditary; Tumor predisposition; Hereditary Cancer Syndrome; Hereditary neoplastic syndrome. Identifiers: Orphanet 140162, MedGen C0027672, MeSH D009386, MONDO:0015356.
Lynch syndrome. Identifiers: Orphanet 144, MedGen C4552100, MONDO:0005835. Disease mechanism: loss of function.
Lynch syndrome 5 (LYNCH5). Also called: Colorectal cancer, hereditary nonpolyposis, type 5; Hereditary non-polyposis colorectal cancer, type 5. Identifiers: Orphanet 144, MedGen C1833477, MONDO:0013710, OMIM 614350. Disease mechanism: loss of function.

Allele frequency attached by ClinVar (database versions not stated): gnomAD exomes below 0.00001; TOPMed 0.00001.
gnomAD v4.1: 2 of 1,613,486 alleles (0.00012%); highest among the groups gnomAD compares: Non-Finnish European, 0.00017%; no homozygotes.

Submissions (7):

Ambry Genetics
Classification: Uncertain significance for Hereditary cancer-predisposing syndrome. Last evaluated: 2024-07-27. Review status: criteria provided, single submitter. Criteria: Ambry Variant Classification Scheme 2023. Collection method: clinical testing. Allele origin: germline.
Comment: The p.E226G variant (also known as c.677A>G), located in coding exon 4 of the MSH6 gene, results from an A to G substitution at nucleotide position 677. The glutamic acid at codon 226 is replaced by glycine, an amino acid with similar properties. This amino acid position is not well conserved in available vertebrate species. In addition, this alteration is predicted to be tolerated by in silico analysis. Since supporting evidence is limited at this time, the clinical significance of this alteration remains unclear.

Labcorp Genetics (formerly Invitae), Labcorp
Classification: Likely benign for Hereditary nonpolyposis colorectal neoplasms. Last evaluated: 2024-07-22. Review status: criteria provided, single submitter. Criteria: Invitae Variant Classification Sherloc (09022015). Collection method: clinical testing. Allele origin: germline.

All of Us Research Program, National Institutes of Health
Classification: Uncertain significance for Lynch syndrome. Last evaluated: 2024-04-16. Review status: criteria provided, single submitter. Criteria: ACMG Guidelines, 2015. Collection method: clinical testing. Allele origin: germline. Inheritance: Autosomal dominant inheritance. Observed: 2 variant alleles, 2 heterozygotes.
Comment: This missense variant replaces glutamic acid with glycine at codon 226 of the MSH6 protein. Computational prediction suggests that this variant may not impact protein structure and function (internally defined REVEL score threshold <= 0.5, PMID: 27666373). To our knowledge, functional studies have not been reported for this variant. In a large breast cancer case-control study, this variant was reported in 2/60466 cases and 0/53461 unaffected controls (PMID: 33471991). This variant has been identified in 1/250254 chromosomes in the general population by the Genome Aggregation Database (gnomAD). The available evidence is insufficient to determine the role of this variant in disease conclusively. Therefore, this variant is classified as a Variant of Uncertain Significance.

This study involves interpretation of variants in research participants for the purpose of population health screening. Participant phenotype was not available at the time of variant classification. Additional details can be found in publication PMID: 35346344, PMCID: PMC8962531

Color Diagnostics, LLC DBA Color Health
Classification: Uncertain significance for Hereditary cancer-predisposing syndrome. Last evaluated: 2024-04-03. Review status: criteria provided, single submitter. Criteria: ACMG Guidelines, 2015. Collection method: clinical testing. Allele origin: germline.
Comment: This missense variant replaces glutamic acid with glycine at codon 226 of the MSH6 protein. Computational prediction suggests that this variant may not impact protein structure and function (internally defined REVEL score threshold <= 0.5, PMID: 27666373). To our knowledge, functional studies have not been reported for this variant. In a large breast cancer case-control study, this variant was reported in 2/60466 cases and 0/53461 unaffected controls (PMID: 33471991). This variant has been identified in 1/250254 chromosomes in the general population by the Genome Aggregation Database (gnomAD). The available evidence is insufficient to determine the role of this variant in disease conclusively. Therefore, this variant is classified as a Variant of Uncertain Significance.

Myriad Genetics, Inc.
Classification: Uncertain significance for Lynch syndrome 5. Last evaluated: 2023-03-29. Review status: criteria provided, single submitter. Criteria: Myriad Autosomal Dominant, Autosomal Recessive and X-Linked Classification Criteria (2023). Collection method: clinical testing. Allele origin: unknown.
Comment: This variant is classified as a variant of uncertain significance as there is insufficient evidence to determine its impact on protein function and/or cancer risk.

Sema4
Classification: Uncertain significance for Hereditary cancer-predisposing syndrome. Last evaluated: 2022-02-22. Review status: criteria provided, single submitter. Criteria: Sema4 Curation Guidelines. Collection method: curation. Allele origin: germline.
Comment: The MSH6 c.677A>G (p.E226G) variant has been reported in 2/60466 breast cancer cases and 0/53461 healthy controls by a large case-control study (PMID: 33471991). It was observed in 1/250254 chromosomes across all populations in the large and broad cohorts of the Genome Aggregation Database (PMID: 32461654). This variant has been reported in ClinVar (Variation ID 141475). Functional studies have not been performed, and in silico predictions of the variant's effect on protein function are inconclusive. The evidence is insufficient to meet ACMG/AMP criteria for classifying the variant as benign or pathogenic. Thus, the clinical significance of this variant is currently uncertain.

Counsyl
Classification: Uncertain significance for Lynch syndrome 5. Last evaluated: 2016-08-01. Review status: no assertion criteria provided. Collection method: clinical testing. Allele origin: unknown. Not counted in ClinVar's aggregate classification.

Literature cited by the submitters: PubMed 33471991 (cited by 3 submitters).

NM_000179.3(MSH6):c.677A>G (p.Glu226Gly)

Gene: MSH6 (mutS homolog 6; plus strand). Cytogenetic location: 2p16.3.
Variant type: single nucleotide variant.
Coding change: c.677A>G on transcript NM_000179.3 (MANE Select); coding-DNA position 677, A replaced by G.
Protein change: p.Glu226Gly; replaces glutamic acid 226 with glycine.
Molecular consequence: missense variant. On other transcripts: 5 prime UTR variant (2).
Genome position (GRCh38, 1-based): chr2:47,798,660, A>G. VCF-style: chr2-47798660-A-G. GRCh37 (hg19) VCF-style: chr2-48025799-A-G.
Other names: c.287A>G, p.Glu96Gly (NM_001281492.2); c.-230A>G (NM_001281493.2, NM_001281494.2); short protein forms E226G, E96G.
Identifiers: ClinVar variation 141475 (VCV000141475.25), dbSNP rs587781777, ClinGen allele CA016211.